The following is an entry in ClinVar:

ClinVar aggregate classification (germline): Uncertain significance (1 of 4 stars; one submission).

Conditions:
Majeed syndrome (MJDS). Also called: CHRONIC RECURRENT MULTIFOCAL OSTEOMYELITIS 1, WITH CONGENITAL DYSERYTHROPOIETIC ANEMIA, WITH OR WITHOUT NEUTROPHILIC DERMATOSIS; LPIN2-Related Majeed Syndrome. Identifiers: Orphanet 77297, MedGen C1864997, MONDO:0012316, OMIM 609628.

Submission:

Labcorp Genetics (formerly Invitae), Labcorp
Classification: Uncertain significance for Majeed syndrome. Last evaluated: 2020-09-02. Review status: criteria provided, single submitter. Criteria: Invitae Variant Classification Sherloc (09022015). Collection method: clinical testing. Allele origin: germline.
Comment: This sequence change affects codon 65 of the LPIN2 mRNA. It is a 'silent' change, meaning that it does not change the encoded amino acid sequence of the LPIN2 protein. This variant is not present in population databases (ExAC no frequency). This variant has not been reported in the literature in individuals with LPIN2-related conditions. Algorithms developed to predict the effect of sequence changes on RNA splicing suggest that this variant may create or strengthen a splice site, but this prediction has not been confirmed by published transcriptional studies. In summary, the available evidence is currently insufficient to determine the role of this variant in disease. Therefore, it has been classified as a Variant of Uncertain Significance.

NM_001375808.2(LPIN2):c.195T>A (p.Ile65=)

Gene: LPIN2 (lipin 2; minus strand). Cytogenetic location: 18p11.31.
Variant type: single nucleotide variant.
Coding change: c.195T>A on transcript NM_001375808.2 (MANE Select); coding-DNA position 195, T replaced by A.
Protein change: p.Ile65=; no amino-acid change (isoleucine 65 retained).
Molecular consequence: synonymous variant.
Genome position (GRCh38, 1-based): chr18:2,954,597, A>T on the plus strand (T>A on the coding strand, the complement: LPIN2 is on the minus strand). VCF-style: chr18-2954597-A-T. GRCh37 (hg19) VCF-style: chr18-2954595-A-T.
Other names: c.195T>A, p.Ile65= (NM_001375809.1, NM_014646.2).
Identifiers: ClinVar variation 1042666 (VCV001042666.9), dbSNP rs2077582494, ClinGen allele CA502689671.